The following is an entry in ClinVar:

ClinVar aggregate classification (germline): Likely benign. Review status: criteria provided, multiple submitters, no conflicts (2 of 4 stars). 4 submissions from 4 submitters: Likely benign (4). Last evaluated 2024-01-01.

Conditions:
Familial hypercholesterolemia. Also called: Familial hypercholesterolaemia; Familial hypercholesterolemias. Identifiers: MedGen C0020445, MONDO:0005439.
Hypercholesterolemia, autosomal dominant, 3 (FHCL3). Also called: Familial Hypercholesterolemia, Autosomal Dominant, 3; PCSK9-Related Familial Hypercholesterolemia, Autosomal Dominant; Familial hypercholesterolemia 3. Identifiers: MedGen C1863551, MONDO:0011369, OMIM 603776.

Allele frequency attached by ClinVar (database versions not stated): TOPMed below 0.00001; ExAC 0.00001; gnomAD 0.00001; gnomAD exomes 0.00001.
gnomAD v4.1: 11 of 1,605,296 alleles (0.00069%); highest among the groups gnomAD compares: Middle Eastern, 0.033%; no homozygotes.

Submissions (4):

CeGaT Center for Human Genetics Tuebingen
Classification: Likely benign. Last evaluated: 2024-01-01. Review status: criteria provided, single submitter. Criteria: CeGaT Center For Human Genetics Tuebingen Variant Classification Criteria Version 2. Collection method: clinical testing. Allele origin: germline. Affected: yes. Observed: 3 variant alleles.
Comment: PCSK9: BP4, BP7

GENinCode PLC
Classification: Likely benign for Familial hypercholesterolemia. Last evaluated: 2023-12-05. Review status: criteria provided, single submitter. Criteria: ACMG Guidelines, 2015. Collection method: clinical testing. Allele origin: germline.
Comment: This is a synonymous (silent) variant that is not predicted by SpliceAI to impact splicing. In addition, it occurs at a nucleotide that is not conserved. Therefore this variant has been classified as Likely Benign (BP4, BP7).

All of Us Research Program, National Institutes of Health
Classification: Likely benign for Hypercholesterolemia, autosomal dominant, 3. Last evaluated: 2023-11-30. Review status: criteria provided, single submitter. Criteria: ACMG Guidelines, 2015. Collection method: clinical testing. Allele origin: germline. Inheritance: Autosomal dominant inheritance. Observed: 2 variant alleles, 2 heterozygotes.
Comment: This study involves interpretation of variants in research participants for the purpose of population health screening. Participant phenotype was not available at the time of variant classification. Additional details can be found in publication PMID: 35346344, PMCID: PMC8962531

Labcorp Genetics (formerly Invitae), Labcorp
Classification: Likely benign for Hypercholesterolemia, autosomal dominant, 3. Last evaluated: 2022-11-01. Review status: criteria provided, single submitter. Criteria: Invitae Variant Classification Sherloc (09022015). Collection method: clinical testing. Allele origin: germline.

NM_174936.4(PCSK9):c.1812A>C (p.Pro604=)

Gene: PCSK9 (proprotein convertase subtilisin/kexin type 9; plus strand). Cytogenetic location: 1p32.3.
Variant type: single nucleotide variant.
Coding change: c.1812A>C on transcript NM_174936.4 (MANE Select); coding-DNA position 1812, A replaced by C.
Protein change: p.Pro604=; no amino-acid change (proline 604 retained).
Molecular consequence: synonymous variant. On other transcripts: non-coding transcript variant (8).
Genome position (GRCh38, 1-based): chr1:55,061,505, A>C. VCF-style: chr1-55061505-A-C. GRCh37 (hg19) VCF-style: chr1-55527178-A-C.
Other names: c.1935A>C, p.Pro645= (NM_001407240.1); c.1854A>C, p.Pro618= (NM_001407241.1); c.1815A>C, p.Pro605= (NM_001407242.1); c.1755A>C, p.Pro585= (NM_001407243.1); c.1638A>C, p.Pro546= (NM_001407244.1); c.1620A>C, p.Pro540= (NM_001407245.1); c.1437A>C, p.Pro479= (NM_001407246.1); c.1311A>C, p.Pro437= (NM_001407247.1).
Identifiers: ClinVar variation 1570575 (VCV001570575.36), dbSNP rs777190873, ClinGen allele CA038948.